The following is an entry in ClinVar:

ClinVar aggregate classification (germline): Likely pathogenic. Review status: criteria provided, multiple submitters, no conflicts (2 of 4 stars). 2 submissions from 2 submitters: Likely pathogenic (2). Last evaluated 2024-05-10.

Conditions:
Marfan syndrome (MFS). Also called: MARFAN SYNDROME, TYPE I; Marfan syndrome type 1; Marfan's syndrome; FBN1-Related Marfan Syndrome; Marfan syndrome, classic. Identifiers: Orphanet 284963, Orphanet 558, MedGen C0024796, MONDO:0007947, OMIM 154700.
Progeroid and marfanoid aspect-lipodystrophy syndrome. Also called: MARFANOID-PROGEROID SYNDROME; MARFAN-PROGEROID-LIPODYSTROPHY SYNDROME; Marfan lipodystrophy syndrome; MARFANOID-PROGEROID-LIPODYSTROPHY SYNDROME. Identifiers: Orphanet 300382, MedGen C4310796, MONDO:0014831, OMIM 616914.

Submissions (2):

Pittsburgh Clinical Genomics Laboratory, University of Pittsburgh Medical Center
Classification: Likely pathogenic for Progeroid and marfanoid aspect-lipodystrophy syndrome. Last evaluated: 2024-05-10. Review status: criteria provided, single submitter. Criteria: ACMG Guidelines, 2015. Collection method: clinical testing. Allele origin: germline. Inheritance: Autosomal dominant inheritance. Affected: yes.
Comment: This sequence variant is a single nucleotide substitution (G>A) at position 6458 of the coding sequence of the FBN1 gene that results in a cysteine to tyrosine amino acid change at residue 2153 of the fibrillin 1 protein. The 2153 residue falls in the cbEGF-like domain 36 (UniProt) which plays a critical role in fibrillin 1's function (PMID: 11524736). This variant is absent from ClinVar and the gnomAD v4.1.0 population database (0/~1,460,000). This variant has been observed in individuals affected by Marfan syndrome or a related fibrillinopathy (PMID: 11524736, 19839986, 19161152, 17657824). Multiple bioinformatic tools predict that this amino acid change would be damaging, and the Cys2153 residue at this position is highly conserved across the vertebrate species examined. Studies examining the functional consequence of this variant have not been published, to our knowledge. Based upon the evidence, we consider this variant to be likely pathogenic. ACMG Criteria: PM1, PM2, PP3, PS4

Department of Human Genetics, Hannover Medical School
Classification: Likely pathogenic for Marfan syndrome. Last evaluated: 2023-05-02. Review status: criteria provided, single submitter. Criteria: ACMG Guidelines, 2015. Collection method: clinical testing. Allele origin: germline. Inheritance: Autosomal dominant inheritance. Affected: yes.

Literature cited by the submitters: PubMed 19839986 (cited by Pittsburgh Clinical Genomics Laboratory, University of Pittsburgh Medical Center); PubMed 17657824 (cited by Pittsburgh Clinical Genomics Laboratory, University of Pittsburgh Medical Center); PubMed 11524736 (cited by Pittsburgh Clinical Genomics Laboratory, University of Pittsburgh Medical Center); PubMed 19161152 (cited by Pittsburgh Clinical Genomics Laboratory, University of Pittsburgh Medical Center).

NM_000138.5(FBN1):c.6458G>A (p.Cys2153Tyr)

Gene: FBN1 (fibrillin 1; minus strand). Cytogenetic location: 15q21.1.
Variant type: single nucleotide variant.
Coding change: c.6458G>A on transcript NM_000138.5 (MANE Select); coding-DNA position 6458, G replaced by A.
Protein change: p.Cys2153Tyr; replaces cysteine 2153 with tyrosine.
Molecular consequence: missense variant.
Genome position (GRCh38, 1-based): chr15:48,436,999, C>T on the plus strand (G>A on the coding strand, the complement: FBN1 is on the minus strand). VCF-style: chr15-48436999-C-T. GRCh37 (hg19) VCF-style: chr15-48729196-C-T.
Other names: c.6458G>A, p.Cys2153Tyr (NM_001406716.1); short protein forms C2153Y.
Identifiers: ClinVar variation 3376406 (VCV003376406.2).